The following is an entry in ClinVar:

NM_000320.3(QDPR):c.644G>A (p.Trp215Ter)

Gene: QDPR (quinoid dihydropteridine reductase; minus strand). Cytogenetic location: 4p15.32.
Variant type: single nucleotide variant.
Coding change: c.644G>A on transcript NM_000320.3 (MANE Select); coding-DNA position 644, G replaced by A.
Protein change: p.Trp215Ter; replaces tryptophan 215 with a stop codon.
Molecular consequence: nonsense. On other transcripts: non-coding transcript variant (1).
Genome position (GRCh38, 1-based): chr4:17,487,222, C>T on the plus strand (G>A on the coding strand, the complement: QDPR is on the minus strand). VCF-style: chr4-17487222-C-T. GRCh37 (hg19) VCF-style: chr4-17488845-C-T.
Other names: c.551G>A, p.Trp184Ter (NM_001306140.2); short protein forms W215*, W184*.
Identifiers: ClinVar variation 1453021 (VCV001453021.8), dbSNP rs778806991, ClinGen allele CA2868012.

ClinVar aggregate classification (germline): Pathogenic (1 of 4 stars; one submission).

Conditions:
Dihydropteridine reductase deficiency (HPABH4C). Also called: DHPR DEFICIENCY; BH4-Deficient Hyperphenylalaninemia C; Hyperphenylalaninemia due to dihydropteridine reductase deficiency; Hyperphenylalaninemia, BH-4-deficient, C; Phenylketonuria type 2; HYPERPHENYLALANINEMIA, TETRAHYDROBIOPTERIN-DEFICIENT, DUE TO DHPR DEFICIENCY. Identifiers: Orphanet 226, Orphanet 238583, MedGen C0268465, MONDO:0009862, OMIM 261630.

Allele frequency attached by ClinVar (database versions not stated): gnomAD exomes 0.00001 and 0.00002; TOPMed 0.00001; ExAC 0.00001.
gnomAD v4.1: 23 of 1,613,464 alleles (0.0014%); highest among the groups gnomAD compares: Non-Finnish European, 0.0019%; no homozygotes.

Submission:

Labcorp Genetics (formerly Invitae), Labcorp
Classification: Pathogenic for Dihydropteridine reductase deficiency. Last evaluated: 2021-07-07. Review status: criteria provided, single submitter. Criteria: Invitae Variant Classification Sherloc (09022015). Collection method: clinical testing. Allele origin: germline.
Comment: For these reasons, this variant has been classified as Pathogenic. This sequence change creates a premature translational stop signal (p.Trp215*) in the QDPR gene. While this is not anticipated to result in nonsense mediated decay, it is expected to disrupt the last 30 amino acid(s) of the QDPR protein. This variant is present in population databases (rs778806991, ExAC 0.001%). This variant has not been reported in the literature in individuals with QDPR-related conditions. Algorithms developed to predict the effect of sequence changes on RNA splicing suggest that this variant may create or strengthen a splice site, but this prediction has not been confirmed by published transcriptional studies. This variant disrupts the C-terminus of the QDPR protein. Other variant(s) that disrupt this region (p.Arg221*) have been determined to be pathogenic (PMID: 8518287, 19099731, 27246466, 30109838). This suggests that variants that disrupt this region of the protein are likely to be causative of disease.

Literature cited by the submitters: PubMed 8518287; PubMed 19099731; PubMed 27246466; PubMed 30109838.